The following is an entry in ClinVar:

ClinVar aggregate classification (germline): Uncertain significance. Review status: criteria provided, multiple submitters, no conflicts (2 of 4 stars). 2 submissions from 2 submitters: Uncertain significance (2). Last evaluated 2025-07-10.

Conditions:
Inborn genetic diseases. Identifiers: MedGen C0950123, MeSH D030342.
Spastic paraplegia. Identifiers: MedGen C0037772, HP:0001258.

Allele frequency attached by ClinVar (database versions not stated): ExAC 0.00003; gnomAD exomes 0.00003; gnomAD 0.00008 and 0.00009; TOPMed 0.00012.
gnomAD v4.1: 29 of 1,614,004 alleles (0.0018%); highest among the groups gnomAD compares: African/African-American, 0.023%; no homozygotes.

Submissions (2):

Labcorp Genetics (formerly Invitae), Labcorp
Classification: Uncertain significance for Spastic paraplegia. Last evaluated: 2025-07-10. Review status: criteria provided, single submitter. Criteria: Invitae Variant Classification Sherloc (09022015). Collection method: clinical testing. Allele origin: germline.
Comment: This sequence change replaces valine, which is neutral and non-polar, with alanine, which is neutral and non-polar, at codon 2110 of the ZFYVE26 protein (p.Val2110Ala). This variant is present in population databases (rs754170372, gnomAD 0.02%). This variant has not been reported in the literature in individuals affected with ZFYVE26-related conditions. ClinVar contains an entry for this variant (Variation ID: 1437182). An algorithm developed to predict the effect of missense changes on protein structure and function (PolyPhen-2) suggests that this variant is likely to be tolerated. In summary, the available evidence is currently insufficient to determine the role of this variant in disease. Therefore, it has been classified as a Variant of Uncertain Significance.

Ambry Genetics
Classification: Uncertain significance for Inborn genetic diseases. Last evaluated: 2025-01-31. Review status: criteria provided, single submitter. Criteria: Ambry Variant Classification Scheme 2023. Collection method: clinical testing. Allele origin: germline.

NM_015346.4(ZFYVE26):c.6329T>C (p.Val2110Ala)

Gene: ZFYVE26 (zinc finger FYVE-type containing 26; minus strand). Cytogenetic location: 14q24.1.
Variant type: single nucleotide variant.
Coding change: c.6329T>C on transcript NM_015346.4 (MANE Select); coding-DNA position 6329, T replaced by C.
Protein change: p.Val2110Ala; replaces valine 2110 with alanine.
Molecular consequence: missense variant.
Genome position (GRCh38, 1-based): chr14:67,762,243, A>G on the plus strand (T>C on the coding strand, the complement: ZFYVE26 is on the minus strand). VCF-style: chr14-67762243-A-G. GRCh37 (hg19) VCF-style: chr14-68228960-A-G.
Other names: c.6329T>C (NM_015346.3); short protein forms V2110A.
Identifiers: ClinVar variation 1437182 (VCV001437182.5), dbSNP rs754170372, ClinGen allele CA7239260.